The following is an entry in ClinVar:

ClinVar aggregate classification (germline): Uncertain significance (1 of 4 stars; one submission).

Conditions:
Werner syndrome (WRN). Identifiers: Orphanet 902, MedGen C0043119, MONDO:0010196, OMIM 277700.

Allele frequency attached by ClinVar (database versions not stated): gnomAD exomes below 0.00001.
gnomAD v4.1: 7 of 1,614,174 alleles (0.00043%); highest among the groups gnomAD compares: Non-Finnish European, 0.00051%; no homozygotes.

Submission:

Labcorp Genetics (formerly Invitae), Labcorp
Classification: Uncertain significance for Werner syndrome. Last evaluated: 2023-05-27. Review status: criteria provided, single submitter. Criteria: Invitae Variant Classification Sherloc (09022015). Collection method: clinical testing. Allele origin: germline.
Comment: Algorithms developed to predict the effect of missense changes on protein structure and function output the following: SIFT: "Not Available"; PolyPhen-2: "Benign"; Align-GVGD: "Not Available". The valine amino acid residue is found in multiple mammalian species, which suggests that this missense change does not adversely affect protein function. ClinVar contains an entry for this variant (Variation ID: 1024937). This variant has not been reported in the literature in individuals affected with WRN-related conditions. This variant is not present in population databases (gnomAD no frequency). This sequence change replaces isoleucine, which is neutral and non-polar, with valine, which is neutral and non-polar, at codon 100 of the WRN protein (p.Ile100Val). In summary, the available evidence is currently insufficient to determine the role of this variant in disease. Therefore, it has been classified as a Variant of Uncertain Significance.

NM_000553.6(WRN):c.298A>G (p.Ile100Val)

Gene: WRN (WRN RecQ like helicase; plus strand). Cytogenetic location: 8p12.
Variant type: single nucleotide variant.
Coding change: c.298A>G on transcript NM_000553.6 (MANE Select); coding-DNA position 298, A replaced by G.
Protein change: p.Ile100Val; replaces isoleucine 100 with valine.
Molecular consequence: missense variant.
Genome position (GRCh38, 1-based): chr8:31,064,377, A>G. VCF-style: chr8-31064377-A-G. GRCh37 (hg19) VCF-style: chr8-30921893-A-G.
Other names: short protein forms I100V.
Identifiers: ClinVar variation 1024937 (VCV001024937.2), dbSNP rs1812612923, ClinGen allele CA370914260.